The following is an entry in ClinVar:

NM_001200049.3(CFAP46):c.1359G>A (p.Ala453=)

Gene: CFAP46 (cilia and flagella associated protein 46; minus strand). Cytogenetic location: 10q26.3.
Variant type: single nucleotide variant.
Coding change: c.1359G>A on transcript NM_001200049.3 (MANE Select); coding-DNA position 1359, G replaced by A.
Protein change: p.Ala453=; no amino-acid change (alanine 453 retained).
Molecular consequence: synonymous variant.
Genome position (GRCh38, 1-based): chr10:132,922,606, C>T on the plus strand (G>A on the coding strand, the complement: CFAP46 is on the minus strand). VCF-style: chr10-132922606-C-T. GRCh37 (hg19) VCF-style: chr10-134736110-C-T.
Identifiers: ClinVar variation 2640996 (VCV002640996.24), dbSNP rs980576106, ClinGen allele CA216780149.

ClinVar aggregate classification (germline): Likely benign (1 of 4 stars; one submission).

gnomAD v4.1: 10 of 1,549,400 alleles (0.00065%); highest among the groups gnomAD compares: Middle Eastern, 0.017%; no homozygotes.

Submission:

CeGaT Center for Human Genetics Tuebingen
Classification: Likely benign. Last evaluated: 2022-05-01. Review status: criteria provided, single submitter. Criteria: CeGaT Center For Human Genetics Tuebingen Variant Classification Criteria Version 2. Collection method: clinical testing. Allele origin: germline. Affected: yes. Observed: 1 variant allele.
Comment: CFAP46: BP4, BP7